The following is an entry in ClinVar:

ClinVar aggregate classification (germline): Likely pathogenic (1 of 4 stars; one submission).

Submission:

GeneDx
Classification: Likely pathogenic. Last evaluated: 2024-12-19. Review status: criteria provided, single submitter. Criteria: GeneDx Variant Classification Process June 2021. Collection method: clinical testing. Allele origin: germline. Affected: yes.
Comment: Frameshift variant predicted to result in protein truncation or nonsense mediated decay in a gene for which loss of function is a known mechanism of disease; Not observed at significant frequency in large population cohorts (gnomAD); Identified in the heterozygous state in a patient with factor V deficiency in published literature; seen with several polymorphisms (PMID: 16732384); This variant is associated with the following publications: (PMID: 16732384)

NM_000130.5(F5):c.434del (p.Gly145fs)

Gene: F5 (coagulation factor V; minus strand). Cytogenetic location: 1q24.2.
Variant type: Deletion.
Coding change: c.434del on transcript NM_000130.5 (MANE Select); coding-DNA position 434, one base deleted (G; older notation c.434delG).
Protein change: p.Gly145fs; shifts the reading frame from glycine 145.
Molecular consequence: frameshift variant.
Genome position (GRCh38, 1-based): chr1:169,560,706, C deleted on the plus strand (G on the coding strand, the reverse complement: F5 is on the minus strand); the first of 2 consecutive C bases (chr1:169,560,706-169,560,707); deleting either gives the same sequence. VCF-style (leftmost placement, unchanged base first): chr1-169560705-GC-G. GRCh37 (hg19) VCF-style: chr1-169529943-GC-G.
Other names: c.433delG, p.Gly145Alafs (NM_000130.4); short protein forms G145fs.
Identifiers: ClinVar variation 3338887 (VCV003338887.2).